The following is an entry in ClinVar:

NM_000245.4(MET):c.1123A>G (p.Asn375Asp)

Gene: MET (MET proto-oncogene, receptor tyrosine kinase; plus strand). Cytogenetic location: 7q31.2.
Variant type: single nucleotide variant.
Coding change: c.1123A>G on transcript NM_000245.4 (MANE Select); coding-DNA position 1123, A replaced by G.
Protein change: p.Asn375Asp; replaces asparagine 375 with aspartic acid.
Molecular consequence: missense variant. On other transcripts: intron variant (1).
Genome position (GRCh38, 1-based): chr7:116,700,207, A>G. VCF-style: chr7-116700207-A-G. GRCh37 (hg19) VCF-style: chr7-116340261-A-G.
Other names: c.1123A>G, p.Asn375Asp (NM_001127500.3, NM_001324401.3); c.-91+27630A>G (NM_001324402.2); short protein forms N375D.
Identifiers: ClinVar variation 524886 (VCV000524886.12), dbSNP rs1375932394, ClinGen allele CA368970589.

ClinVar aggregate classification (germline): Conflicting classifications of pathogenicity. Review status: criteria provided, conflicting classifications (1 of 4 stars). 2 submissions from 2 submitters: Uncertain significance (1); Likely benign (1). Last evaluated 2026-06-04.

Conditions:
Renal cell carcinoma. Identifiers: Orphanet 217071, MedGen C0007134, MeSH D002292, MONDO:0005086, HP:0005584.
Hereditary cancer-predisposing syndrome. Also called: Tumor predisposition; Hereditary neoplastic syndrome; Neoplastic Syndromes, Hereditary; Hereditary Cancer Syndrome. Identifiers: Orphanet 140162, MedGen C0027672, MeSH D009386, MONDO:0015356.

Submissions (2):

Ambry Genetics
Classification: Likely benign for Hereditary cancer-predisposing syndrome. Last evaluated: 2026-06-04. Review status: criteria provided, single submitter. Criteria: Ambry Variant Classification Scheme 2023. Collection method: clinical testing. Allele origin: germline.

Labcorp Genetics (formerly Invitae), Labcorp
Classification: Uncertain significance for Renal cell carcinoma. Last evaluated: 2022-06-13. Review status: criteria provided, single submitter. Criteria: Invitae Variant Classification Sherloc (09022015). Collection method: clinical testing. Allele origin: germline.
Comment: This sequence change replaces asparagine, which is neutral and polar, with aspartic acid, which is acidic and polar, at codon 375 of the MET protein (p.Asn375Asp). In summary, the available evidence is currently insufficient to determine the role of this variant in disease. Therefore, it has been classified as a Variant of Uncertain Significance. Algorithms developed to predict the effect of missense changes on protein structure and function are either unavailable or do not agree on the potential impact of this missense change (SIFT: "Tolerated"; PolyPhen-2: "Possibly Damaging"; Align-GVGD: "Class C0"). ClinVar contains an entry for this variant (Variation ID: 524886). This variant has not been reported in the literature in individuals affected with MET-related conditions. This variant is not present in population databases (gnomAD no frequency).